The following is an entry in ClinVar:

ClinVar aggregate classification (germline): Uncertain significance. Review status: criteria provided, multiple submitters, no conflicts (2 of 4 stars). 2 submissions from 2 submitters: Uncertain significance (2). Last evaluated 2024-10-04.

Conditions:
DiGeorge syndrome. Also called: THIRD AND FOURTH PHARYNGEAL POUCH SYNDROME; Catch22. Identifiers: Orphanet 567, MedGen C0012236, MONDO:0008564, OMIM 188400.

Submissions (2):

GeneDx
Classification: Uncertain significance. Last evaluated: 2024-10-04. Review status: criteria provided, single submitter. Criteria: GeneDx Variant Classification Process June 2021. Collection method: clinical testing. Allele origin: germline. Affected: yes.
Comment: Not observed at significant frequency in large population cohorts (gnomAD); In-frame deletion of one amino acid in a non-repeat region; In silico analysis supports a deleterious effect on protein structure/function; Has not been previously published as pathogenic or benign to our knowledge

Labcorp Genetics (formerly Invitae), Labcorp
Classification: Uncertain significance for DiGeorge syndrome. Last evaluated: 2024-08-15. Review status: criteria provided, single submitter. Criteria: Invitae Variant Classification Sherloc (09022015). Collection method: clinical testing. Allele origin: germline.
Comment: This variant, c.1275_1277del, results in the deletion of 1 amino acid(s) of the TBX1 protein (p.Tyr426del), but otherwise preserves the integrity of the reading frame. This variant is not present in population databases (gnomAD no frequency). This variant has not been reported in the literature in individuals affected with TBX1-related conditions. ClinVar contains an entry for this variant (Variation ID: 842007). Experimental studies and prediction algorithms are not available or were not evaluated, and the functional significance of this variant is currently unknown. In summary, the available evidence is currently insufficient to determine the role of this variant in disease. Therefore, it has been classified as a Variant of Uncertain Significance.

NM_001379200.1(TBX1):c.1302_1304del (p.Tyr435del)

Gene: TBX1 (T-box transcription factor 1; plus strand). Cytogenetic location: 22q11.21.
Variant type: Deletion.
Coding change: c.1302_1304del on transcript NM_001379200.1 (MANE Select); coding-DNA positions 1302 to 1304, 3 bases deleted (CTA; older notation c.1302_1304delCTA).
Protein change: p.Tyr435del; deletes tyrosine 435.
Molecular consequence: inframe deletion. On other transcripts: intron variant (2).
Genome position (GRCh38, 1-based): chr22:19,766,654-19,766,656, CTA deleted; deleting any 3 consecutive bases within chr22:19,766,653-19,766,656 gives the same sequence; the c. name uses the placement nearest the transcript's 3' end. VCF-style (leftmost placement, unchanged base first): chr22-19766652-CACT-C. GRCh37 (hg19) VCF-style: chr22-19754175-CACT-C.
Other names: c.1275_1277del, p.Tyr426del (NM_080647.1); c.1009+652_1009+654del (NM_005992.1, NM_080646.2); short protein forms Y426del, Y435del.
Identifiers: ClinVar variation 842007 (VCV000842007.10), dbSNP rs1936861633, ClinGen allele CA916081238.